The following is an entry in ClinVar:

NM_032380.5(GFM2):c.1531T>C (p.Cys511Arg)

Gene: GFM2 (GTP dependent ribosome recycling factor mitochondrial 2; minus strand). Cytogenetic location: 5q13.3.
Variant type: single nucleotide variant.
Coding change: c.1531T>C on transcript NM_032380.5 (MANE Select); coding-DNA position 1531, T replaced by C.
Protein change: p.Cys511Arg; replaces cysteine 511 with arginine.
Molecular consequence: missense variant. On other transcripts: non-coding transcript variant (1).
Genome position (GRCh38, 1-based): chr5:74,733,078, A>G on the plus strand (T>C on the coding strand, the complement: GFM2 is on the minus strand). VCF-style: chr5-74733078-A-G. GRCh37 (hg19) VCF-style: chr5-74028903-A-G.
Other names: c.1627T>C, p.Cys543Arg (NM_001281302.2); c.1390T>C, p.Cys464Arg (NM_170691.3); c.1531T>C (NM_032380.3); short protein forms C511R, C464R, C543R.
Identifiers: ClinVar variation 2903689 (VCV002903689.4), dbSNP rs200473701, ClinGen allele CA3306498.

ClinVar aggregate classification (germline): Uncertain significance. Review status: criteria provided, multiple submitters, no conflicts (2 of 4 stars). 2 submissions from 2 submitters: Uncertain significance (2). Last evaluated 2025-01-01.

Conditions:
Inborn genetic diseases. Identifiers: MedGen C0950123, MeSH D030342.

Allele frequency attached by ClinVar (database versions not stated): gnomAD 0.00003; gnomAD exomes 0.00004; TOPMed 0.00005; ExAC 0.00006.

Submissions (2):

Ambry Genetics
Classification: Uncertain significance for Inborn genetic diseases. Last evaluated: 2025-01-01. Review status: criteria provided, single submitter. Criteria: Ambry Variant Classification Scheme 2023. Collection method: clinical testing. Allele origin: germline.

Labcorp Genetics (formerly Invitae), Labcorp
Classification: Uncertain significance. Last evaluated: 2024-04-22. Review status: criteria provided, single submitter. Criteria: Invitae Variant Classification Sherloc (09022015). Collection method: clinical testing. Allele origin: germline.
Comment: This sequence change replaces cysteine, which is neutral and slightly polar, with arginine, which is basic and polar, at codon 511 of the GFM2 protein (p.Cys511Arg). This variant is present in population databases (rs200473701, gnomAD 0.01%). This variant has not been reported in the literature in individuals affected with GFM2-related conditions. Advanced modeling of protein sequence and biophysical properties (such as structural, functional, and spatial information, amino acid conservation, physicochemical variation, residue mobility, and thermodynamic stability) performed at Invitae indicates that this missense variant is not expected to disrupt GFM2 protein function with a negative predictive value of 80%. In summary, the available evidence is currently insufficient to determine the role of this variant in disease. Therefore, it has been classified as a Variant of Uncertain Significance.